The following is an entry in ClinVar:

NM_007294.4(BRCA1):c.255G>A (p.Glu85=)

Gene: BRCA1 (BRCA1 DNA repair associated; minus strand). Cytogenetic location: 17q21.31.
Variant type: single nucleotide variant.
Coding change: c.255G>A on transcript NM_007294.4 (MANE Select); coding-DNA position 255, G replaced by A.
Protein change: p.Glu85=; no amino-acid change (glutamic acid 85 retained).
Molecular consequence: synonymous variant. On other transcripts: 5 prime UTR variant (7), intron variant (2).
Genome position (GRCh38, 1-based): chr17:43,104,914, C>T on the plus strand (G>A on the coding strand, the complement: BRCA1 is on the minus strand). VCF-style: chr17-43104914-C-T. GRCh37 (hg19) VCF-style: chr17-41256931-C-T.
Other names: c.255G>A, p.Glu85= (NM_001407624.1, NM_001407625.1, NM_001407626.1 and 168 more transcripts); c.177G>A, p.Glu59= (NM_001407653.1, NM_001407654.1, NM_001407655.1 and 21 more transcripts); c.114G>A, p.Glu38= (NM_001407692.1, NM_001407694.1, NM_001407695.1 and 99 more transcripts); c.45G>A, p.Glu15= (NM_001407853.1, NM_001407879.1, NM_001407881.1 and 58 more transcripts); c.-127G>A (NM_001407959.1, NM_001407960.1, NM_001407962.1 and 4 more transcripts); c.123G>A, p.Glu41= (NM_001408451.1); c.-218-10054G>A (NM_001407967.1, NM_001407966.1).
Identifiers: ClinVar variation 186047 (VCV000186047.34), dbSNP rs756499058, ClinGen allele CA001685.
Genomic context (GRCh38, chr17:43,104,914, plus strand): 5'-TATTCAACACTTACACTCCAAACCTGTGTCAAGCTGAAAAGCACAAATGATTTTCAATAG[C>T]TCTTCAACAAGTTGACTAAATCTCGTACTTTCTTGTAGGCTCCTGAAATTAAATTGTTTG-3'
Protein context (NP_009225.1, residues 75-95): ESTRFSQLVE[Glu85=]LLKIICAFQL

ClinVar aggregate classification (germline): Likely benign. Review status: reviewed by expert panel (3 of 4 stars). 8 submissions from 8 submitters: Likely benign (1). 7 of the submissions do not count toward it. Last evaluated 2017-06-29.

Conditions:
Hereditary breast ovarian cancer syndrome. Also called: Hereditary breast and ovarian cancer syndrome; Hereditary breast and ovarian cancer syndrome (HBOC); BRCA1- and BRCA2-Associated Hereditary Breast and Ovarian Cancer; Breast and ovarian cancer; Hereditary breast and ovarian cancer; Hereditary breast and/or ovarian cancer syndrome. Identifiers: Orphanet 145, MedGen C0677776, MeSH D061325, MONDO:0003582. Disease mechanism: loss of function.
Hereditary cancer-predisposing syndrome. Also called: Hereditary Cancer Syndrome; Hereditary neoplastic syndrome; Tumor predisposition; Neoplastic Syndromes, Hereditary. Identifiers: Orphanet 140162, MedGen C0027672, MeSH D009386, MONDO:0015356.
Breast-ovarian cancer, familial, susceptibility to, 1 (BROVCA1). Also called: OVARIAN CANCER, SUSCEPTIBILITY TO; BRCA1 Hereditary Breast and Ovarian Cancer. Identifiers: Orphanet 145, MedGen C2676676, MONDO:0011450, OMIM 604370. Disease mechanism: loss of function.
BRCA1-related disorder. Also called: BRCA1-related condition.

Allele frequency attached by ClinVar (database versions not stated): gnomAD exomes below 0.00001.
gnomAD v4.1: 1 of 1,613,974 alleles (0.000062%); highest among the groups gnomAD compares: Non-Finnish European, 0.000085%; no homozygotes.

Submissions (9):

Evidence-based Network for the Interpretation of Germline Mutant Alleles (ENIGMA)
Classification: Likely benign for Breast-ovarian cancer, familial, susceptibility to, 1. Last evaluated: 2017-06-29. Review status: reviewed by expert panel. Criteria: ENIGMA BRCA1/2 Classification Criteria (2017-06-29). Collection method: curation. Allele origin: germline.
Comment: Synonymous substitution variant, with low bioinformatic likelihood to result in a splicing aberration (Splicing prior probability 0.02).

Center for Genomic Medicine, Rigshospitalet, Copenhagen University Hospital
Classification: Likely benign. Last evaluated: 2025-03-04. Review status: criteria provided, single submitter. Criteria: ACMG Guidelines, 2015. Collection method: clinical testing. Allele origin: germline. Not counted in ClinVar's aggregate classification.

Labcorp Genetics (formerly Invitae), Labcorp
Classification: Likely benign for Hereditary breast ovarian cancer syndrome. Last evaluated: 2024-10-15. Review status: criteria provided, single submitter. Criteria: Invitae Variant Classification Sherloc (09022015). Collection method: clinical testing. Allele origin: germline. Not counted in ClinVar's aggregate classification.

Women's Health and Genetics/Laboratory Corporation of America, LabCorp
Classification: Likely benign. Last evaluated: 2024-03-27. Review status: criteria provided, single submitter. Criteria: LabCorp Variant Classification Summary - May 2015. Collection method: clinical testing. Allele origin: germline. Not counted in ClinVar's aggregate classification.

GeneDx
Classification: Likely benign. Last evaluated: 2018-03-06. Review status: criteria provided, single submitter. Criteria: GeneDx Variant Classification (06012015). Collection method: clinical testing. Allele origin: germline. Affected: yes. Not counted in ClinVar's aggregate classification.
Comment: This variant is considered likely benign or benign based on one or more of the following criteria: it is a conservative change, it occurs at a poorly conserved position in the protein, it is predicted to be benign by multiple in silico algorithms, and/or has population frequency not consistent with disease.

Color Diagnostics, LLC DBA Color Health
Classification: Likely benign for Hereditary cancer-predisposing syndrome. Last evaluated: 2017-04-11. Review status: criteria provided, single submitter. Criteria: ACMG Guidelines, 2015. Collection method: clinical testing. Allele origin: germline. Not counted in ClinVar's aggregate classification.

Ambry Genetics
Classification: Likely benign for Hereditary cancer-predisposing syndrome. Last evaluated: 2014-08-19. Review status: criteria provided, single submitter. Criteria: Ambry Variant Classification Scheme 2023. Collection method: clinical testing. Allele origin: germline. Not counted in ClinVar's aggregate classification.

PreventionGenetics, part of Exact Sciences
Classification: Likely benign for BRCA1-related condition. Last evaluated: 2023-04-05. Review status: no assertion criteria provided. Collection method: clinical testing. Allele origin: germline. Not counted in ClinVar's aggregate classification.
Comment: This variant is classified as likely benign based on ACMG/AMP sequence variant interpretation guidelines (Richards et al. 2015 PMID: 25741868, with internal and published modifications).

Brotman Baty Institute, University of Washington
No classification provided (evidence only). Condition: Breast-ovarian cancer, familial 1. Review status: no classification provided. Collection method: in vitro. Allele origin: not applicable. Functional consequence: functionally_normal. Not counted in ClinVar's aggregate classification.
ClinVar note: "not provided" was previously submitted as the classification for the variant. However, the classification appeared to be based only on an observation of functional data so it was converted to no classification on 2025-07-30.

Literature cited by the submitters: PubMed 22505045 (cited by Women's Health and Genetics/Laboratory Corporation of America, LabCorp).